The following is an entry in ClinVar:

ClinVar aggregate classification (germline): Benign/Likely benign. Review status: criteria provided, multiple submitters, no conflicts (2 of 4 stars). 3 submissions from 3 submitters: Benign (1); Likely benign (2). Last evaluated 2023-12-07.

Allele frequency attached by ClinVar (database versions not stated): gnomAD exomes 0.00002 and 0.00010; ExAC 0.00016; 1000 Genomes Project 30x 0.00021; 1000 Genomes Project 0.00026; TOPMed 0.00029; gnomAD 0.00031; ESP Exome Variant Server 0.00066.
gnomAD v4.1: 60 of 1,125,205 alleles (0.0053%); highest among the groups gnomAD compares: African/African-American, 0.099%; no homozygotes.

Submissions (3):

Labcorp Genetics (formerly Invitae), Labcorp
Classification: Benign. Last evaluated: 2023-12-07. Review status: criteria provided, single submitter. Criteria: Invitae Variant Classification Sherloc (09022015). Collection method: clinical testing. Allele origin: germline.

Women's Health and Genetics/Laboratory Corporation of America, LabCorp
Classification: Likely benign. Last evaluated: 2023-07-20. Review status: criteria provided, single submitter. Criteria: LabCorp Variant Classification Summary - May 2015. Collection method: clinical testing. Allele origin: germline.
Comment: Variant summary: HUWE1 c.2050-9G>T alters a non-conserved nucleotide located close to a canonical splice site and therefore could affect mRNA splicing, leading to a significantly altered protein sequence. 4/4 computational tools predict no significant impact on normal splicing. However, these predictions have yet to be confirmed by functional studies. The variant allele was found at a frequency of 0.00031 in 110430 control chromosomes including 8 hemizygotes, predominantly at a frequency of 0.0011 within the African or African-American subpopulation in the gnomAD database. The occurrence of 8 hemizygotes indicates a benign role for this variant. Additionally, HUWE1 variants in patients with Intellectual Diability, X-linked Syndromic, Turner type have been associated primarily with de-novo mode of occurrence (OMIM). To our knowledge, no occurrence of c.2050-9G>T in individuals affected with Intellectual Disability, X-Linked Syndromic, Turner Type and no experimental evidence demonstrating its impact on protein function have been reported. Two submitters have cited clinical-significance assessments for this variant to ClinVar after 2014. All submitters classified the variant as benign/likely benign. Based on the evidence outlined above, the variant was classified as likely benign.

GeneDx
Classification: Likely benign. Last evaluated: 2020-06-10. Review status: criteria provided, single submitter. Criteria: GeneDx Variant Classification Process June 2021. Collection method: clinical testing. Allele origin: germline. Affected: yes.

NM_031407.7(HUWE1):c.2050-9G>T

Gene: HUWE1 (HECT, UBA and WWE domain containing E3 ubiquitin protein ligase 1; minus strand). Cytogenetic location: Xp11.22.
Variant type: single nucleotide variant.
Coding change: c.2050-9G>T on transcript NM_031407.7 (MANE Select); 9 bases into the intron before coding-DNA position 2050, G replaced by T.
Molecular consequence: intron variant.
Genome position (GRCh38, 1-based): chrX:53,614,754, C>A on the plus strand (G>T on the coding strand, the complement: HUWE1 is on the minus strand). VCF-style: chrX-53614754-C-A. GRCh37 (hg19) VCF-style: chrX-53641715-C-A.
Other names: c.2050-9G>T (NM_031407.6).
Identifiers: ClinVar variation 1187642 (VCV001187642.8), dbSNP rs377186422, ClinGen allele CA10422757.